The following is an entry in ClinVar:

ClinVar aggregate classification (germline): Benign/Likely benign. Review status: criteria provided, multiple submitters, no conflicts (2 of 4 stars). 2 submissions from 2 submitters: Benign (1); Likely benign (1). Last evaluated 2025-03-08.

Allele frequency attached by ClinVar (database versions not stated): gnomAD 0.00036; TOPMed 0.00040; ESP Exome Variant Server 0.00062; ExAC 0.00070.
gnomAD v4.1: 494 of 1,594,474 alleles (0.031%); highest among the groups gnomAD compares: Non-Finnish European, 0.0069%; 4 homozygotes.

Submissions (2):

Labcorp Genetics (formerly Invitae), Labcorp
Classification: Benign. Last evaluated: 2025-03-08. Review status: criteria provided, single submitter. Criteria: Invitae Variant Classification Sherloc (09022015). Collection method: clinical testing. Allele origin: germline.

CeGaT Center for Human Genetics Tuebingen
Classification: Likely benign. Last evaluated: 2024-05-01. Review status: criteria provided, single submitter. Criteria: CeGaT Center For Human Genetics Tuebingen Variant Classification Criteria Version 2. Collection method: clinical testing. Allele origin: germline. Affected: yes. Observed: 2 variant alleles.
Comment: LAMA5: BS1

NM_005560.6(LAMA5):c.2924C>T (p.Pro975Leu)

Gene: LAMA5 (laminin subunit alpha 5; minus strand). Cytogenetic location: 20q13.33.
Variant type: single nucleotide variant.
Coding change: c.2924C>T on transcript NM_005560.6 (MANE Select); coding-DNA position 2924, C replaced by T.
Protein change: p.Pro975Leu; replaces proline 975 with leucine.
Molecular consequence: missense variant.
Genome position (GRCh38, 1-based): chr20:62,333,661, G>A on the plus strand (C>T on the coding strand, the complement: LAMA5 is on the minus strand). VCF-style: chr20-62333661-G-A. GRCh37 (hg19) VCF-style: chr20-60908717-G-A.
Other names: short protein forms P975L.
Identifiers: ClinVar variation 2164106 (VCV002164106.25), dbSNP rs145426625, ClinGen allele CA9943255.